The following is an entry in ClinVar:

ClinVar aggregate classification (germline): Likely pathogenic (1 of 4 stars; one submission).

Conditions:
Hemolytic anemia due to glucophosphate isomerase deficiency (CNSHA4). Also called: ANEMIA, CONGENITAL, NONSPHEROCYTIC HEMOLYTIC, 4. Identifiers: Orphanet 712, MedGen C0272064, MONDO:0013275, OMIM 613470.

Submission:

Department of Endocrinology, The Children’s Hospital of Zhejiang University School of Medicine
Classification: Likely pathogenic for Hemolytic anemia due to glucophosphate isomerase deficiency. Last evaluated: 2022-02-01. Review status: criteria provided, single submitter. Criteria: ACMG Guidelines, 2015. Collection method: provider interpretation. Allele origin: inherited. Affected: yes. Observed: 1 variant allele.
Comment: Note: This variant was found in clinical genetic testing performed by one or more labs who may also submit to ClinVar. Therefore, any internal case data may overlap with the internal case data of other submitters. The interpretation and rationale are that of the Department of Endocrinology, The Children’s Hospital of Zhejiang University School of Medicine.

This variant, NM_000175.3:c.812delG, was found in compound heterozygosity with the pathogenic variant NM_000175.3:c.301G>A

Literature cited by the submitters: PubMed 10916680.

NM_000175.5(GPI):c.812del (p.Gly271fs)

Gene: GPI (glucose-6-phosphate isomerase; plus strand). Cytogenetic location: 19q13.11.
Variant type: Deletion.
Coding change: c.812del on transcript NM_000175.5 (MANE Select); coding-DNA position 812, one base deleted (G; older notation c.812delG).
Protein change: p.Gly271fs; shifts the reading frame from glycine 271.
Molecular consequence: frameshift variant.
Genome position (GRCh38, 1-based): chr19:34,393,255, G deleted; the last of 3 consecutive G bases (chr19:34,393,253-34,393,255); deleting any one gives the same sequence. VCF-style (leftmost placement, unchanged base first): chr19-34393252-TG-T. GRCh37 (hg19) VCF-style: chr19-34884157-TG-T.
Other names: c.845del, p.Gly282fs (NM_001184722.1); c.929del, p.Gly310fs (NM_001289789.1); c.728del, p.Gly243fs (NM_001289790.3); c.812del, p.Gly271fs (NM_001329909.1, NM_001329910.1, NM_001329911.2); short protein forms G243fs, G271fs, G282fs, G310fs.
Identifiers: ClinVar variation 1697238 (VCV001697238.2), dbSNP rs2145419704, ClinGen allele CA2576748522.